The following is an entry in ClinVar:

ClinVar aggregate classification (germline): Uncertain significance (1 of 4 stars; one submission).

Conditions:
KLF4-related disorder. Also called: KLF4-related condition.

gnomAD v4.1: 1 of 1,614,138 alleles (0.000062%); highest among the groups gnomAD compares: East Asian, 0.0022%; no homozygotes.

Submission:

PreventionGenetics, part of Exact Sciences
Classification: Uncertain significance for KLF4-related condition. Last evaluated: 2025-03-24. Review status: criteria provided, single submitter. Criteria: ACMG Guidelines, 2015. Collection method: clinical testing. Allele origin: germline.
Comment: The KLF4 c.1211C>A variant is predicted to result in the amino acid substitution p.Pro404Gln. To our knowledge, this variant has not been reported in the literature or in a large population database (gnomAD), indicating this variant is rare. At this time, the clinical significance of this variant is uncertain due to the absence of conclusive functional and genetic evidence.

NM_004235.6(KLF4):c.1109C>A (p.Pro370Gln)

Gene: KLF4 (KLF transcription factor 4; minus strand). Cytogenetic location: 9q31.2.
Variant type: single nucleotide variant.
Coding change: c.1109C>A on transcript NM_004235.6 (MANE Select); coding-DNA position 1109, C replaced by A.
Protein change: p.Pro370Gln; replaces proline 370 with glutamine.
Molecular consequence: missense variant.
Genome position (GRCh38, 1-based): chr9:107,487,183, G>T on the plus strand (C>A on the coding strand, the complement: KLF4 is on the minus strand). VCF-style: chr9-107487183-G-T. GRCh37 (hg19) VCF-style: chr9-110249464-G-T.
Other names: c.1211C>A, p.Pro404Gln (NM_001314052.2); short protein forms P370Q, P404Q.
Identifiers: ClinVar variation 5000873 (VCV005000873.1).